The following is an entry in ClinVar:

ClinVar aggregate classification (germline): Uncertain significance (1 of 4 stars; one submission).

Conditions:
Cardiac arrhythmia. Also called: Arrhythmia; Cardiac rhythm disease. Identifiers: MedGen C0003811, MONDO:0007263, HP:0011675.

Allele frequency attached by ClinVar (database versions not stated): gnomAD exomes below 0.00001.
gnomAD v4.1: 1 of 1,614,212 alleles (0.000062%); highest among the groups gnomAD compares: South Asian, 0.0011%; no homozygotes.

Submission:

Color Diagnostics, LLC DBA Color Health
Classification: Uncertain significance for Cardiac arrhythmia. Last evaluated: 2020-10-13. Review status: criteria provided, single submitter. Criteria: ACMG Guidelines, 2015. Collection method: clinical testing. Allele origin: germline.
Comment: This missense variant replaces phenylalanine with serine at codon 485 of the KCNQ1 protein. Computational prediction is inconclusive regarding the impact of this variant on protein structure and function (internally defined REVEL score threshold 0.5 < inconclusive < 0.7, PMID: 27666373). To our knowledge, functional studies have not been reported for this variant. This variant has not been reported in individuals affected with cardiovascular disorders in the literature. This variant has been identified in 1/251424 chromosomes in the general population by the Genome Aggregation Database (gnomAD). The available evidence is insufficient to determine the role of this variant in disease conclusively. Therefore, this variant is classified as a Variant of Uncertain Significance.

NM_000218.3(KCNQ1):c.1454T>C (p.Phe485Ser)

Genes: KCNQ1 (potassium voltage-gated channel subfamily Q member 1; plus strand), KCNQ1OT1 (KCNQ1 opposite strand/antisense transcript 1; minus strand). Cytogenetic location: 11p15.5.
Variant type: single nucleotide variant.
Coding change: c.1454T>C on transcript NM_000218.3 (MANE Select); coding-DNA position 1454, T replaced by C.
Protein change: p.Phe485Ser; replaces phenylalanine 485 with serine.
Molecular consequence: missense variant.
Genome position (GRCh38, 1-based): chr11:2,662,021, T>C. VCF-style: chr11-2662021-T-C. GRCh37 (hg19) VCF-style: chr11-2683251-T-C.
Other names: c.1358T>C, p.Phe453Ser (NM_001406836.1); c.1184T>C, p.Phe395Ser (NM_001406837.1); c.914T>C, p.Phe305Ser (NM_001406838.1); c.1073T>C, p.Phe358Ser (NM_181798.2); short protein forms F358S, F485S, F453S, F305S, F395S.
Identifiers: ClinVar variation 1172020 (VCV001172020.5), dbSNP rs1335411338, ClinGen allele CA379479594.